The following is an entry in ClinVar:

NM_001128840.3(CACNA1D):c.4370A>G (p.Asn1457Ser)

Gene: CACNA1D (calcium voltage-gated channel subunit alpha1 D; plus strand). Cytogenetic location: 3p21.1.
Variant type: single nucleotide variant.
Coding change: c.4370A>G on transcript NM_001128840.3 (MANE Select); coding-DNA position 4370, A replaced by G.
Protein change: p.Asn1457Ser; replaces asparagine 1457 with serine.
Molecular consequence: missense variant.
Genome position (GRCh38, 1-based): chr3:53,776,610, A>G. VCF-style: chr3-53776610-A-G. GRCh37 (hg19) VCF-style: chr3-53810637-A-G.
Other names: c.4430A>G, p.Asn1477Ser (NM_000720.4); c.4325A>G, p.Asn1442Ser (NM_001128839.3); short protein forms N1442S, N1457S, N1477S.
Identifiers: ClinVar variation 3382634 (VCV003382634.3).

ClinVar aggregate classification (germline): Conflicting classifications of pathogenicity. Review status: criteria provided, conflicting classifications (1 of 4 stars). 2 submissions from 2 submitters: Likely pathogenic (1); Uncertain significance (1). Last evaluated 2025-07-08.

Conditions:
Aldosterone-producing adenoma with seizures and neurological abnormalities. Also called: Primary aldosteronism, seizures, and neurologic abnormalities. Identifiers: Orphanet 369929, MedGen C3809609, MONDO:0014200, OMIM 615474.
Sinoatrial node dysfunction and deafness (SANDD). Identifiers: Orphanet 324321, MedGen C3554018, MONDO:0013960, OMIM 614896.

gnomAD v4.1: 1 of 1,614,096 alleles (0.000062%); highest among the groups gnomAD compares: Non-Finnish European, 0.000085%; no homozygotes.

Submissions (2):

Labcorp Genetics (formerly Invitae), Labcorp
Classification: Uncertain significance. Last evaluated: 2025-07-08. Review status: criteria provided, single submitter. Criteria: Invitae Variant Classification Sherloc (09022015). Collection method: clinical testing. Allele origin: germline.
Comment: This sequence change replaces asparagine, which is neutral and polar, with serine, which is neutral and polar, at codon 1477 of the CACNA1D protein (p.Asn1477Ser). This variant is present in population databases (no rsID available, gnomAD 0.0009%). This variant has not been reported in the literature in individuals affected with CACNA1D-related conditions. ClinVar contains an entry for this variant (Variation ID: 3382634). Invitae Evidence Modeling of protein sequence and biophysical properties (such as structural, functional, and spatial information, amino acid conservation, physicochemical variation, residue mobility, and thermodynamic stability) indicates that this missense variant is expected to disrupt CACNA1D protein function with a positive predictive value of 80%. In summary, the available evidence is currently insufficient to determine the role of this variant in disease. Therefore, it has been classified as a Variant of Uncertain Significance.

Juno Genomics, Hangzhou Juno Genomics, Inc
Classification: Likely pathogenic for Aldosterone-producing adenoma with seizures and neurological abnormalities; Sinoatrial node dysfunction and deafness. Review status: criteria provided, single submitter. Criteria: ACMG Guidelines, 2015. Collection method: clinical testing. Allele origin: germline. Affected: yes.
Comment: Multiple lines of computational evidence support a deleterious effect on the gene or gene product (conservation, evolutionary, splicing impact, etc).;Absent from controls (or at extremely low frequency if recessive) in Genome Aggregation Database, Exome Sequencing Project, 1000 Genomes Project, or Exome Aggregation Consortium.;De novo (both maternity and paternity confirmed) in a patient with the disease and no family history.;Missense variant in a gene that has a low rate of benign missense variation and where missense variants are a common mechanism of disease.